The following is an entry in ClinVar:

NM_032776.3(JMJD1C):c.3694T>G (p.Leu1232Val)

Gene: JMJD1C (jumonji domain containing 1C; minus strand). Cytogenetic location: 10q21.3.
Variant type: single nucleotide variant.
Coding change: c.3694T>G on transcript NM_032776.3 (MANE Select); coding-DNA position 3694, T replaced by G.
Protein change: p.Leu1232Val; replaces leucine 1232 with valine.
Molecular consequence: missense variant. On other transcripts: non-coding transcript variant (1).
Genome position (GRCh38, 1-based): chr10:63,207,975, A>C on the plus strand (T>G on the coding strand, the complement: JMJD1C is on the minus strand). VCF-style: chr10-63207975-A-C. GRCh37 (hg19) VCF-style: chr10-64967735-A-C.
Other names: c.3148T>G, p.Leu1050Val (NM_001282948.2, NM_001318154.2); c.2830T>G, p.Leu944Val (NM_001318153.2); c.3580T>G, p.Leu1194Val (NM_001322252.2); c.3037T>G, p.Leu1013Val (NM_001322254.2, NM_001322258.2); short protein forms L1232V, L1013V, L944V, L1050V, L1194V.
Identifiers: ClinVar variation 1039407 (VCV001039407.9), dbSNP rs1846855738, ClinGen allele CA377040574.

ClinVar aggregate classification (germline): Uncertain significance. Review status: criteria provided, multiple submitters, no conflicts (2 of 4 stars). 2 submissions from 2 submitters: Uncertain significance (2). Last evaluated 2023-04-12.

Conditions:
Early Myoclonic Encephalopathy. Identifiers: MedGen C0270855.

Allele frequency attached by ClinVar (database versions not stated): gnomAD exomes below 0.00001.
gnomAD v4.1: 1 of 1,614,142 alleles (0.000062%); highest among the groups gnomAD compares: Non-Finnish European, 0.000085%; no homozygotes.

Submissions (2):

Greenwood Genetic Center Diagnostic Laboratories, Greenwood Genetic Center
Classification: Uncertain significance. Last evaluated: 2023-04-12. Review status: criteria provided, single submitter. Criteria: ACMG Guidelines, 2015. Collection method: clinical testing. Allele origin: germline. Affected: yes.
Comment: PM2, PP3

Labcorp Genetics (formerly Invitae), Labcorp
Classification: Uncertain significance for Early Myoclonic Encephalopathy. Last evaluated: 2022-06-13. Review status: criteria provided, single submitter. Criteria: Invitae Variant Classification Sherloc (09022015). Collection method: clinical testing. Allele origin: germline.
Comment: In summary, the available evidence is currently insufficient to determine the role of this variant in disease. Therefore, it has been classified as a Variant of Uncertain Significance. Algorithms developed to predict the effect of sequence changes on RNA splicing suggest that this variant may create or strengthen a splice site. Algorithms developed to predict the effect of missense changes on protein structure and function are either unavailable or do not agree on the potential impact of this missense change (SIFT: "Deleterious"; PolyPhen-2: "Probably Damaging"; Align-GVGD: "Class C0"). ClinVar contains an entry for this variant (Variation ID: 1039407). This variant has not been reported in the literature in individuals affected with JMJD1C-related conditions. This variant is not present in population databases (gnomAD no frequency). This sequence change replaces leucine, which is neutral and non-polar, with valine, which is neutral and non-polar, at codon 1232 of the JMJD1C protein (p.Leu1232Val).